The following is an entry in ClinVar:

ClinVar aggregate classification (germline): Uncertain significance (1 of 4 stars; one submission).

Conditions:
WDPCP-related disorder. Also called: WDPCP-related condition.

gnomAD v4.1: 2 of 1,613,948 alleles (0.00012%); highest among the groups gnomAD compares: African/African-American, 0.0013%; no homozygotes.

Submission:

PreventionGenetics, part of Exact Sciences
Classification: Uncertain significance for WDPCP-related condition. Last evaluated: 2025-12-29. Review status: criteria provided, single submitter. Criteria: ACMG Guidelines, 2015. Collection method: clinical testing. Allele origin: germline.
Comment: The WDPCP c.1336C>T variant is predicted to result in the amino acid substitution p.Pro446Ser. To our knowledge, this variant has not been reported in the literature. This variant is reported in 0.0065% of alleles in individuals of African descent in gnomAD. At this time, the clinical significance of this variant is uncertain due to the absence of conclusive functional and genetic evidence.

NM_015910.7(WDPCP):c.1336C>T (p.Pro446Ser)

Gene: WDPCP (WD repeat containing planar cell polarity effector; minus strand). Cytogenetic location: 2p15.
Variant type: single nucleotide variant.
Coding change: c.1336C>T on transcript NM_015910.7 (MANE Select); coding-DNA position 1336, C replaced by T.
Protein change: p.Pro446Ser; replaces proline 446 with serine.
Molecular consequence: missense variant. On other transcripts: non-coding transcript variant (3).
Genome position (GRCh38, 1-based): chr2:63,404,147, G>A on the plus strand (C>T on the coding strand, the complement: WDPCP is on the minus strand). VCF-style: chr2-63404147-G-A. GRCh37 (hg19) VCF-style: chr2-63631282-G-A.
Other names: c.859C>T, p.Pro287Ser (NM_001042692.3); c.1264C>T, p.Pro422Ser (NM_001354044.2); c.1336C>T, p.Pro446Ser (NM_001354045.2); short protein forms P287S, P446S, P422S.
Identifiers: ClinVar variation 4993731 (VCV004993731.1).